The following is an entry in ClinVar:

NM_022168.4(IFIH1):c.1159G>A (p.Val387Ile)

Gene: IFIH1 (interferon induced with helicase C domain 1; minus strand). Cytogenetic location: 2q24.2.
Variant type: single nucleotide variant.
Coding change: c.1159G>A on transcript NM_022168.4 (MANE Select); coding-DNA position 1159, G replaced by A.
Protein change: p.Val387Ile; replaces valine 387 with isoleucine.
Molecular consequence: missense variant.
Genome position (GRCh38, 1-based): chr2:162,282,513, C>T on the plus strand (G>A on the coding strand, the complement: IFIH1 is on the minus strand). VCF-style: chr2-162282513-C-T. GRCh37 (hg19) VCF-style: chr2-163139023-C-T.
Other names: short protein forms V387I.
Identifiers: ClinVar variation 1477298 (VCV001477298.6), dbSNP rs374766201, ClinGen allele CA59665955.

ClinVar aggregate classification (germline): Uncertain significance (1 of 4 stars; one submission).

Conditions:
Aicardi-Goutieres syndrome 7 (AGS7). Identifiers: Orphanet 51, MedGen C3888244, MONDO:0014367, OMIM 615846.
Singleton-Merten syndrome 1 (SGMRT1). Also called: Widened medullary cavities of bone, aortic calcification, abnormal dentition, and muscular weakness; Syndrome of widened medullary cavities of the metacarpals and phalanges, aortic calcification and abnormal dentition. Identifiers: Orphanet 85191, MedGen C4225427, MONDO:0024535, OMIM 182250.

Allele frequency attached by ClinVar (database versions not stated): gnomAD exomes below 0.00001.
gnomAD v4.1: 1 of 1,611,746 alleles (0.000062%); highest among the groups gnomAD compares: South Asian, 0.0011%; no homozygotes.

Submission:

Labcorp Genetics (formerly Invitae), Labcorp
Classification: Uncertain significance for Aicardi-Goutieres syndrome 7; Singleton-Merten syndrome 1. Last evaluated: 2021-08-31. Review status: criteria provided, single submitter. Criteria: Invitae Variant Classification Sherloc (09022015). Collection method: clinical testing. Allele origin: germline.
Comment: In summary, the available evidence is currently insufficient to determine the role of this variant in disease. Therefore, it has been classified as a Variant of Uncertain Significance. Algorithms developed to predict the effect of missense changes on protein structure and function output the following: SIFT: "Tolerated"; PolyPhen-2: "Benign"; Align-GVGD: "Class C0". The isoleucine amino acid residue is found in multiple mammalian species, which suggests that this missense change does not adversely affect protein function. This variant has not been reported in the literature in individuals affected with IFIH1-related conditions. This variant is not present in population databases (ExAC no frequency). This sequence change replaces valine with isoleucine at codon 387 of the IFIH1 protein (p.Val387Ile). The valine residue is moderately conserved and there is a small physicochemical difference between valine and isoleucine.